The following is an entry in ClinVar:

NM_018896.5(CACNA1G):c.4160G>A (p.Arg1387His)

Gene: CACNA1G (calcium voltage-gated channel subunit alpha1 G; plus strand). Cytogenetic location: 17q21.33.
Variant type: single nucleotide variant.
Coding change: c.4160G>A on transcript NM_018896.5 (MANE Select); coding-DNA position 4160, G replaced by A.
Protein change: p.Arg1387His; replaces arginine 1387 with histidine.
Molecular consequence: missense variant. On other transcripts: non-coding transcript variant (5).
Genome position (GRCh38, 1-based): chr17:50,603,190, G>A. VCF-style: chr17-50603190-G-A. GRCh37 (hg19) VCF-style: chr17-48680551-G-A.
Other names: c.4160G>A, p.Arg1387His (NM_001256324.2, NM_001256325.2, NM_001256326.2 and 16 more transcripts); c.4091G>A, p.Arg1364His (NM_001256332.2, NM_198376.3, NM_198379.3 and 5 more transcripts); short protein forms R1364H, R1387H.
Identifiers: ClinVar variation 3776680 (VCV003776680.1).

ClinVar aggregate classification (germline): Uncertain significance (1 of 4 stars; one submission).

Submission:

GeneDx
Classification: Uncertain significance. Last evaluated: 2024-10-05. Review status: criteria provided, single submitter. Criteria: GeneDx Variant Classification Process June 2021. Collection method: clinical testing. Allele origin: germline. Affected: yes.
Comment: Not observed at significant frequency in large population cohorts (gnomAD); In silico analysis supports that this missense variant has a deleterious effect on protein structure/function; Has not been previously published as pathogenic or benign to our knowledge